The following is an entry in ClinVar:

NM_003803.4(MYOM1):c.697G>A (p.Glu233Lys)

Gene: MYOM1 (myomesin 1; minus strand). Cytogenetic location: 18p11.31.
Variant type: single nucleotide variant.
Coding change: c.697G>A on transcript NM_003803.4 (MANE Select); coding-DNA position 697, G replaced by A.
Protein change: p.Glu233Lys; replaces glutamic acid 233 with lysine.
Molecular consequence: missense variant.
Genome position (GRCh38, 1-based): chr18:3,188,822, C>T on the plus strand (G>A on the coding strand, the complement: MYOM1 is on the minus strand). VCF-style: chr18-3188822-C-T. GRCh37 (hg19) VCF-style: chr18-3188820-C-T.
Other names: c.697G>A, p.Glu233Lys (NM_019856.2); short protein forms E233K.
Identifiers: ClinVar variation 2171704 (VCV002171704.5), dbSNP rs774607670, ClinGen allele CA8875175.
Genomic context (GRCh38, chr18:3,188,822, plus strand): 5'-ACAGGCGTTCTGCCTTTTCTCGAATCACAACTTTCCTTGACTTCTTTTCAGAAGTTTCTT[C>T]CTGTTGAAGAGCGGATGTGGCCTGTTTGGAAACCACAGACTGCCTGGATGCCGTGGACTG-3'
Protein context (NP_003794.3, residues 223-243): SKQATSALQQ[Glu233Lys]ETSEKKSRKV

ClinVar aggregate classification (germline): Uncertain significance. Review status: criteria provided, multiple submitters, no conflicts (2 of 4 stars). 2 submissions from 2 submitters: Uncertain significance (2). Last evaluated 2024-04-19.

Conditions:
Hypertrophic cardiomyopathy. Also called: HYPERTROPHIC MYOCARDIOPATHY. Identifiers: Orphanet 217569, MedGen C0007194, MeSH D002312, MONDO:0005045, HP:0001639.

Allele frequency attached by ClinVar (database versions not stated): ExAC 0.00001; gnomAD 0.00002; TOPMed 0.00004.
gnomAD v4.1: 4 of 1,610,364 alleles (0.00025%); highest among the groups gnomAD compares: African/African-American, 0.0054%; no homozygotes.

Submissions (2):

Ambry Genetics
Classification: Uncertain significance. Last evaluated: 2024-04-19. Review status: criteria provided, single submitter. Criteria: Ambry Variant Classification Scheme 2023. Collection method: clinical testing. Allele origin: germline.
Comment: The p.E233K variant (also known as c.697G>A), located in coding exon 3 of the MYOM1 gene, results from a G to A substitution at nucleotide position 697. The glutamic acid at codon 233 is replaced by lysine, an amino acid with similar properties. This amino acid position is conserved. In addition, this alteration is predicted to be tolerated by in silico analysis. Based on the available evidence, the clinical significance of this variant remains unclear.

Labcorp Genetics (formerly Invitae), Labcorp
Classification: Uncertain significance for Hypertrophic cardiomyopathy. Last evaluated: 2022-01-26. Review status: criteria provided, single submitter. Criteria: Invitae Variant Classification Sherloc (09022015). Collection method: clinical testing. Allele origin: germline.
Comment: In summary, the available evidence is currently insufficient to determine the role of this variant in disease. Therefore, it has been classified as a Variant of Uncertain Significance. Algorithms developed to predict the effect of missense changes on protein structure and function (SIFT, PolyPhen-2, Align-GVGD) all suggest that this variant is likely to be tolerated. This variant has not been reported in the literature in individuals affected with MYOM1-related conditions. This variant is present in population databases (rs774607670, gnomAD 0.01%). This sequence change replaces glutamic acid, which is acidic and polar, with lysine, which is basic and polar, at codon 233 of the MYOM1 protein (p.Glu233Lys).